The following is an entry in ClinVar:

ClinVar aggregate classification (germline): Uncertain significance (1 of 4 stars; one submission).

Conditions:
SLCO1B3-related disorder. Also called: SLCO1B3-related condition.

Allele frequency attached by ClinVar (database versions not stated): gnomAD exomes below 0.00001.
gnomAD v4.1: 3 of 1,577,046 alleles (0.00019%); highest among the groups gnomAD compares: East Asian, 0.0023%; no homozygotes.

Submission:

PreventionGenetics, part of Exact Sciences
Classification: Uncertain significance for SLCO1B3-related condition. Last evaluated: 2023-03-10. Review status: criteria provided, single submitter. Criteria: ACMG Guidelines, 2015. Collection method: clinical testing. Allele origin: germline.
Comment: The SLCO1B3 c.1825G>A variant is predicted to result in the amino acid substitution p.Ala609Thr. To our knowledge, this variant has not been reported in the literature. This variant is reported in 0.0065% of alleles in individuals of East Asian descent in gnomAD. At this time, the clinical significance of this variant is uncertain due to the absence of conclusive functional and genetic evidence.

NM_019844.4(SLCO1B3):c.1825G>A (p.Ala609Thr)

Genes: SLCO1B3 (solute carrier organic anion transporter family member 1B3; plus strand), SLCO1B3-SLCO1B7 (SLCO1B3-SLCO1B7 readthrough; plus strand). Cytogenetic location: 12p12.2.
Variant type: single nucleotide variant.
Coding change: c.1825G>A on transcript NM_019844.4 (MANE Select); coding-DNA position 1825, G replaced by A.
Protein change: p.Ala609Thr; replaces alanine 609 with threonine.
Molecular consequence: missense variant.
Genome position (GRCh38, 1-based): chr12:20,901,427, G>A. VCF-style: chr12-20901427-G-A. GRCh37 (hg19) VCF-style: chr12-21054361-G-A.
Other names: c.1825G>A, p.Ala609Thr (NM_001371097.1); c.1741G>A, p.Ala581Thr (NM_001349920.2); short protein forms A581T, A609T.
Identifiers: ClinVar variation 2633485 (VCV002633485.1), dbSNP rs866623355, ClinGen allele CA233510786.